The following is an entry in ClinVar:

ClinVar aggregate classification (germline): Benign/Likely benign. Review status: criteria provided, multiple submitters, no conflicts (2 of 4 stars). 3 submissions from 3 submitters: Benign (2); Likely benign (1). Last evaluated 2026-04-04.

Conditions:
Thrombophilia due to protein S deficiency, autosomal dominant (THPH5). Identifiers: Orphanet 26349, Orphanet 743, MedGen C3278211, MONDO:0012868, OMIM 612336. Disease mechanism: loss of function.
PROS1-related disorder. Also called: PROS1-related condition.
Thrombophilia due to protein S deficiency, autosomal recessive (THPH6). Identifiers: Orphanet 743, MedGen C3281092, MONDO:0013791, OMIM 614514. Disease mechanism: loss of function.

Allele frequency attached by ClinVar (database versions not stated): gnomAD 0.00033 and 0.00046; gnomAD exomes 0.00036 and 0.00097; TOPMed 0.00056; ExAC 0.00104; 1000 Genomes Project 30x 0.00187; 1000 Genomes Project 0.00200; ESP Exome Variant Server 0.00008.
gnomAD v4.1: 581 of 1,613,932 alleles (0.036%); highest among the groups gnomAD compares: East Asian, 1.2%; 3 homozygotes.

Submissions (3):

PreventionGenetics, part of Exact Sciences
Classification: Benign for PROS1-related condition. Last evaluated: 2026-04-04. Review status: criteria provided, single submitter. Criteria: ACMG Guidelines, 2015. Collection method: clinical testing. Allele origin: germline.
Comment: This variant is classified as benign based on ACMG/AMP sequence variant interpretation guidelines (Richards et al. 2015 PMID: 25741868, with internal and published modifications).

Labcorp Genetics (formerly Invitae), Labcorp
Classification: Benign for Thrombophilia due to protein S deficiency, autosomal recessive. Last evaluated: 2026-01-17. Review status: criteria provided, single submitter. Criteria: Invitae Variant Classification Sherloc (09022015). Collection method: clinical testing. Allele origin: germline.

Illumina Laboratory Services, Illumina
Classification: Likely benign for Thrombophilia due to protein S deficiency, autosomal dominant. Last evaluated: 2018-01-13. Review status: criteria provided, single submitter. Criteria: ICSL Variant Classification Criteria 13 December 2019. Collection method: clinical testing. Allele origin: germline.
Comment: This variant was observed in the ICSL laboratory as part of a predisposition screen in an ostensibly healthy population. It had not been previously curated by ICSL or reported in the Human Gene Mutation Database (HGMD: prior to June 1st, 2018), and was therefore a candidate for classification through an automated scoring system. Utilizing variant allele frequency, disease prevalence and penetrance estimates, and inheritance mode, an automated score was calculated to assess if this variant is too frequent to cause the disease. Based on the score and internal cut-off values, a variant classified as likely benign is not then subjected to further curation. The score for this variant resulted in a classification of likely benign for this disease.

NM_000313.4(PROS1):c.1494T>C (p.Asn498=)

Gene: PROS1 (protein S; minus strand). Cytogenetic location: 3q11.1.
Variant type: single nucleotide variant.
Coding change: c.1494T>C on transcript NM_000313.4 (MANE Select); coding-DNA position 1494, T replaced by C.
Protein change: p.Asn498=; no amino-acid change (asparagine 498 retained).
Molecular consequence: synonymous variant.
Genome position (GRCh38, 1-based): chr3:93,879,313, A>G on the plus strand (T>C on the coding strand, the complement: PROS1 is on the minus strand). VCF-style: chr3-93879313-A-G. GRCh37 (hg19) VCF-style: chr3-93598157-A-G.
Other names: c.1590T>C, p.Asn530= (NM_001314077.2).
Identifiers: ClinVar variation 346881 (VCV000346881.15), dbSNP rs76877671, ClinGen allele CA2503172.